The following is an entry in ClinVar:

ClinVar aggregate classification (germline): Pathogenic/Likely pathogenic. Review status: criteria provided, multiple submitters, no conflicts (2 of 4 stars). 5 submissions from 5 submitters: Pathogenic (4); Likely pathogenic (1). Last evaluated 2025-12-08.

Conditions:
Hereditary breast ovarian cancer syndrome. Also called: Breast and ovarian cancer; Hereditary breast and/or ovarian cancer syndrome; BRCA1- and BRCA2-Associated Hereditary Breast and Ovarian Cancer; Hereditary breast and ovarian cancer syndrome; Hereditary breast and ovarian cancer syndrome (HBOC); Hereditary breast and ovarian cancer. Identifiers: Orphanet 145, MedGen C0677776, MeSH D061325, MONDO:0003582. Disease mechanism: loss of function.
Breast-ovarian cancer, familial, susceptibility to, 1 (BROVCA1). Also called: BRCA1 Hereditary Breast and Ovarian Cancer; OVARIAN CANCER, SUSCEPTIBILITY TO. Identifiers: Orphanet 145, MedGen C2676676, MONDO:0011450, OMIM 604370. Disease mechanism: loss of function.
Hereditary cancer-predisposing syndrome. Also called: Tumor predisposition; Hereditary Cancer Syndrome; Hereditary neoplastic syndrome; Neoplastic Syndromes, Hereditary. Identifiers: Orphanet 140162, MedGen C0027672, MeSH D009386, MONDO:0015356.

Submissions (5):

Color Diagnostics, LLC DBA Color Health
Classification: Pathogenic for Hereditary cancer-predisposing syndrome. Last evaluated: 2025-12-08. Review status: criteria provided, single submitter. Criteria: ACMG Guidelines, 2015. Collection method: clinical testing. Allele origin: germline.
Comment: This variant causes a frameshift at codon 96 in the BRCA1 protein, creating a premature translation stop signal. This variant is also known as 407del5ins7 in the literature. This variant is expected to result in an absent or non-functional protein product. This variant has been reported in individual(s) who underwent cancer genetic testing (PMID: 16267036). This variant has not been identified in the general population by the Genome Aggregation Database (gnomAD). Loss of BRCA1 function is a known mechanism of disease. Based on the available evidence, this variant is classified as Pathogenic.

Ambry Genetics
Classification: Pathogenic for Hereditary cancer-predisposing syndrome. Last evaluated: 2025-01-14. Review status: criteria provided, single submitter. Criteria: Ambry Variant Classification Scheme 2023. Collection method: clinical testing. Allele origin: germline.
Comment: The c.288_292delCACAGinsAACCTGT pathogenic mutation, located in coding exon 4 of the BRCA1 gene, results from the deletion of 5 nucleotides and insertion of 7 nucleotides causing a translational frameshift with a predicted alternate stop codon (p.D96Efs*24). This variant is considered to be rare based on population cohorts in the Genome Aggregation Database (gnomAD). This alteration is expected to result in loss of function by premature protein truncation or nonsense-mediated mRNA decay. As such, this alteration is interpreted as a disease-causing mutation.

Baylor Genetics
Classification: Likely pathogenic for Breast-ovarian cancer, familial, susceptibility to, 1. Last evaluated: 2024-02-12. Review status: criteria provided, single submitter. Criteria: ACMG Guidelines, 2015. Collection method: clinical testing. Allele origin: unknown.

GeneDx
Classification: Pathogenic. Last evaluated: 2023-12-29. Review status: criteria provided, single submitter. Criteria: GeneDx Variant Classification Process June 2021. Collection method: clinical testing. Allele origin: germline. Affected: yes.
Comment: Frameshift variant predicted to result in protein truncation or nonsense mediated decay in a gene for which loss of function is a known mechanism of disease; Has not been previously published as pathogenic or benign to our knowledge; Not observed at significant frequency in large population cohorts (gnomAD); Truncating variants in this gene are considered pathogenic by a well-established clinical consortium and/or database; Also known as 407_411delinsAACCTGT or 407_411delCACAGinsAACCTGT

Labcorp Genetics (formerly Invitae), Labcorp
Classification: Pathogenic for Hereditary breast ovarian cancer syndrome. Last evaluated: 2021-08-28. Review status: criteria provided, single submitter. Criteria: Invitae Variant Classification Sherloc (09022015). Collection method: clinical testing. Allele origin: germline.
Comment: This sequence change creates a premature translational stop signal (p.Asp96Glufs*24) in the BRCA1 gene. It is expected to result in an absent or disrupted protein product. Loss-of-function variants in BRCA1 are known to be pathogenic (PMID: 20104584). This variant is not present in population databases (ExAC no frequency). This variant has not been reported in the literature in individuals with BRCA1-related conditions. ClinVar contains an entry for this variant (Variation ID: 482947). For these reasons, this variant has been classified as Pathogenic.

Literature cited by the submitters: PubMed 16267036 (cited by Color Diagnostics, LLC DBA Color Health); PubMed 20104584 (cited by Labcorp Genetics (formerly Invitae), Labcorp).

NM_007294.4(BRCA1):c.288_292delinsAACCTGT (p.Asp96fs)

Gene: BRCA1 (BRCA1 DNA repair associated; minus strand). Cytogenetic location: 17q21.31.
Variant type: Indel.
Coding change: c.288_292delinsAACCTGT on transcript NM_007294.4 (MANE Select); coding-DNA positions 288 to 292, CACAG replaced by AACCTGT.
Protein change: p.Asp96fs; shifts the reading frame from aspartic acid 96.
Molecular consequence: frameshift variant. On other transcripts: non-coding transcript variant (1).
Genome position (GRCh38, 1-based): chr17:43,104,877-43,104,881, CTGTG replaced by ACAGGTT on the plus strand (CACAG replaced by AACCTGT on the coding strand, the reverse complement: BRCA1 is on the minus strand). VCF-style: chr17-43104877-CTGTG-ACAGGTT. GRCh37 (hg19) VCF-style: chr17-41256894-CTGTG-ACAGGTT.
Other names: c.78_82delCACAGinsAACCTGT, p.Asp26Glufs (NM_001407571.1, NM_001407853.1, NM_001407879.1 and 58 more transcripts); c.288_292delCACAGinsAACCTGT, p.Asp96Glufs (NM_001407581.1, NM_001407582.1, NM_001407583.1 and 166 more transcripts); c.210_214delCACAGinsAACCTGT, p.Asp70Glufs (NM_001407653.1, NM_001407654.1, NM_001407655.1 and 21 more transcripts); c.147_151delCACAGinsAACCTGT, p.Asp49Glufs (NM_001407692.1, NM_001407694.1, NM_001407695.1 and 98 more transcripts); c.156_160delCACAGinsAACCTGT, p.Asp52Glufs (NM_001408451.1); c.-94_-90delCACAGinsAACCTGT (NM_001407959.1, NM_001407960.1, NM_001407962.1 and 4 more transcripts); c.147_151delinsAACCTGT, p.Asp49fs (NM_007297.4); c.288_292delinsAACCTGT, p.Asp96fs (NM_007299.4, NM_007300.4); short protein forms D96fs, D49fs.
Identifiers: ClinVar variation 482947 (VCV000482947.21), dbSNP rs483353091, ClinGen allele CA658656667.